The following is an entry in ClinVar:

ClinVar aggregate classification (germline): Likely pathogenic (1 of 4 stars; one submission).

Submission:

Mayo Clinic Laboratories, Mayo Clinic
Classification: Likely pathogenic. Last evaluated: 2023-11-02. Review status: criteria provided, single submitter. Criteria: ACMG Guidelines, 2015. Collection method: clinical testing. Allele origin: germline. Observed: 1 variant allele.
Comment: PM2, PVS1_moderate

Literature cited by the submitters: PubMed 18022865; PubMed 22184204; PubMed 29467202; PubMed 31116566; PubMed 31650533; PubMed 31772028; PubMed 33447612; PubMed 33608380.

NM_001277115.2(DNAH11):c.13418_13421del (p.Lys4473fs)

Genes: CDCA7L (cell division cycle associated 7 like; minus strand), DNAH11 (dynein axonemal heavy chain 11; plus strand). Cytogenetic location: 7p15.3.
Variant type: Deletion.
Coding change: c.13418_13421del on transcript NM_001277115.2 (MANE Select); coding-DNA positions 13418 to 13421, 4 bases deleted (AACA; older notation c.13418_13421delAACA).
Protein change: p.Lys4473fs; shifts the reading frame from lysine 4473.
Molecular consequence: frameshift variant. On other transcripts: 3 prime UTR variant (3).
Genome position (GRCh38, 1-based): chr7:21,901,121-21,901,124, AACA deleted; deleting any 4 consecutive bases within chr7:21,901,119-21,901,124 gives the same sequence; the c. name uses the placement nearest the transcript's 3' end. VCF-style (leftmost placement, unchanged base first): chr7-21901118-CCAAA-C. GRCh37 (hg19) VCF-style: chr7-21940736-CCAAA-C.
Other names: p.Lys4473Argfs*12; c.*1200_*1203del (NM_001127370.3, NM_001127371.3, NM_018719.5); short protein forms K4473fs.
Identifiers: ClinVar variation 3381021 (VCV003381021.1).
Genomic context (GRCh38, chr7:21,901,118, plus strand): 5'-AGCTGGCATGCCCTATGCCGGTCATCTTTGCAAAAGCCACCCCCGTGGACAGACAAGAAA[CCAAA>C]CAGACCTACGAGTGCCCTGTGTATAGAACCAAACTGAGAGGCCCCAGCTACATCTGGACC-3'